The following is an entry in ClinVar:

NM_176787.5(PIGN):c.1782T>A (p.Ser594Arg)

Genes: PIGN (phosphatidylinositol glycan anchor biosynthesis class N; minus strand), LOC132090497 (Neanderthal introgressed variant-containing enhancer experimental_48690; plus strand). Cytogenetic location: 18q21.33.
Variant type: single nucleotide variant.
Coding change: c.1782T>A on transcript NM_176787.5 (MANE Select); coding-DNA position 1782, T replaced by A.
Protein change: p.Ser594Arg; replaces serine 594 with arginine.
Molecular consequence: missense variant.
Genome position (GRCh38, 1-based): chr18:62,105,620, A>T on the plus strand (T>A on the coding strand, the complement: PIGN is on the minus strand). VCF-style: chr18-62105620-A-T. GRCh37 (hg19) VCF-style: chr18-59772853-A-T.
Other names: c.1782T>A, p.Ser594Arg (NM_012327.6); short protein forms S594R.
Identifiers: ClinVar variation 1935336 (VCV001935336.2), dbSNP rs924321544, ClinGen allele CA301704840.

ClinVar aggregate classification (germline): Uncertain significance (1 of 4 stars; one submission).

Conditions:
Multiple congenital anomalies-hypotonia-seizures syndrome 1 (MCAHS1). Also called: Congenital disorder of glycosylation due to PIGN deficiency; PIGN-CDG; GLYCOSYLPHOSPHATIDYLINOSITOL BIOSYNTHESIS DEFECT 3. Identifiers: Orphanet 280633, MedGen C3279775, MONDO:0013563, OMIM 614080.

Allele frequency attached by ClinVar (database versions not stated): gnomAD 0.00001; TOPMed 0.00002.
gnomAD v4.1: 2 of 1,548,484 alleles (0.00013%); highest among the groups gnomAD compares: African/African-American, 0.0027%; no homozygotes.

Submission:

Labcorp Genetics (formerly Invitae), Labcorp
Classification: Uncertain significance for Multiple congenital anomalies-hypotonia-seizures syndrome 1. Last evaluated: 2022-04-30. Review status: criteria provided, single submitter. Criteria: Invitae Variant Classification Sherloc (09022015). Collection method: clinical testing. Allele origin: germline.
Comment: This sequence change replaces serine, which is neutral and polar, with arginine, which is basic and polar, at codon 594 of the PIGN protein (p.Ser594Arg). The frequency data for this variant in the population databases is considered unreliable, as metrics indicate poor data quality at this position in the gnomAD database. This variant has not been reported in the literature in individuals affected with PIGN-related conditions. Algorithms developed to predict the effect of missense changes on protein structure and function are either unavailable or do not agree on the potential impact of this missense change (SIFT: "Not Available"; PolyPhen-2: "Benign"; Align-GVGD: "Not Available"). In summary, the available evidence is currently insufficient to determine the role of this variant in disease. Therefore, it has been classified as a Variant of Uncertain Significance.